The following is an entry in ClinVar:

ClinVar aggregate classification (germline): Uncertain significance. Review status: criteria provided, multiple submitters, no conflicts (2 of 4 stars). 5 submissions from 5 submitters: Uncertain significance (5). Last evaluated 2022-12-08.

Conditions:
Muscular dystrophy-dystroglycanopathy type B6 (MDDGB6). Also called: MUSCULAR DYSTROPHY-DYSTROGLYCANOPATHY (CONGENITAL WITH IMPAIRED INTELLECTUAL DEVELOPMENT), TYPE B, 6; MUSCULAR DYSTROPHY, CONGENITAL, LARGE-RELATED; MUSCULAR DYSTROPHY, CONGENITAL, TYPE 1D. Identifiers: MedGen C1837229, MONDO:0012138, OMIM 608840.

Allele frequency attached by ClinVar (database versions not stated): gnomAD 0.00010 and 0.00011; 1000 Genomes Project 30x 0.00078; ESP Exome Variant Server 0.00015; TOPMed 0.00019; 1000 Genomes Project 0.00060.
gnomAD v4.1: 39 of 1,614,164 alleles (0.0024%); highest among the groups gnomAD compares: African/African-American, 0.025%; no homozygotes.

Submissions (5):

Revvity Omics, Revvity
Classification: Uncertain significance. Last evaluated: 2022-12-08. Review status: criteria provided, single submitter. Criteria: ACMG Guidelines, 2015. Collection method: clinical testing. Allele origin: germline.

Labcorp Genetics (formerly Invitae), Labcorp
Classification: Uncertain significance for Muscular dystrophy-dystroglycanopathy type B6. Last evaluated: 2022-11-01. Review status: criteria provided, single submitter. Criteria: Invitae Variant Classification Sherloc (09022015). Collection method: clinical testing. Allele origin: germline.
Comment: This sequence change replaces glutamic acid, which is acidic and polar, with lysine, which is basic and polar, at codon 112 of the LARGE1 protein (p.Glu112Lys). This variant is present in population databases (rs146078928, gnomAD 0.04%). This variant has not been reported in the literature in individuals affected with LARGE1-related conditions. ClinVar contains an entry for this variant (Variation ID: 167252). Algorithms developed to predict the effect of missense changes on protein structure and function are either unavailable or do not agree on the potential impact of this missense change (SIFT: "Deleterious"; PolyPhen-2: "Benign"; Align-GVGD: "Class C0"). In summary, the available evidence is currently insufficient to determine the role of this variant in disease. Therefore, it has been classified as a Variant of Uncertain Significance.

GeneDx
Classification: Uncertain significance. Last evaluated: 2019-09-13. Review status: criteria provided, single submitter. Criteria: GeneDx Variant Classification Process June 2021. Collection method: clinical testing. Allele origin: germline. Affected: yes.
Comment: In silico analysis, which includes protein predictors and evolutionary conservation, supports a deleterious effect; Has not been previously published as pathogenic or benign to our knowledge

Athena Diagnostics
Classification: Uncertain significance. Last evaluated: 2017-12-21. Review status: criteria provided, single submitter. Criteria: Athena Diagnostics Criteria. Collection method: clinical testing. Allele origin: germline.

Eurofins Ntd Llc (ga)
Classification: Uncertain significance. Last evaluated: 2014-01-27. Review status: criteria provided, single submitter. Criteria: EGL Classification Definitions 2015. Collection method: clinical testing. Allele origin: germline. Observed: 1 variant allele, 1 heterozygote.

NM_133642.5(LARGE1):c.334G>A (p.Glu112Lys)

Gene: LARGE1 (LARGE xylosyl- and glucuronyltransferase 1; minus strand). Cytogenetic location: 22q12.3.
Variant type: single nucleotide variant.
Coding change: c.334G>A on transcript NM_133642.5 (MANE Select); coding-DNA position 334, G replaced by A.
Protein change: p.Glu112Lys; replaces glutamic acid 112 with lysine.
Molecular consequence: missense variant.
Genome position (GRCh38, 1-based): chr22:33,650,441, C>T on the plus strand (G>A on the coding strand, the complement: LARGE1 is on the minus strand). VCF-style: chr22-33650441-C-T. GRCh37 (hg19) VCF-style: chr22-34046427-C-T.
Other names: c.334G>A (NM_004737.6); c.334G>A, p.Glu112Lys (NM_001362949.2, NM_001362951.2, NM_001362953.2 and 7 more transcripts); short protein forms E112K.
Identifiers: ClinVar variation 167252 (VCV000167252.18), dbSNP rs146078928, ClinGen allele CA234213.